The following is an entry in ClinVar:

NM_080680.3(COL11A2):c.1161G>T (p.Glu387Asp)

Gene: COL11A2 (collagen type XI alpha 2 chain; minus strand). Cytogenetic location: 6p21.32.
Variant type: single nucleotide variant.
Coding change: c.1161G>T on transcript NM_080680.3 (MANE Select); coding-DNA position 1161, G replaced by T.
Protein change: p.Glu387Asp; replaces glutamic acid 387 with aspartic acid.
Molecular consequence: missense variant.
Genome position (GRCh38, 1-based): chr6:33,181,129, C>A on the plus strand (G>T on the coding strand, the complement: COL11A2 is on the minus strand). VCF-style: chr6-33181129-C-A. GRCh37 (hg19) VCF-style: chr6-33148906-C-A.
Other names: c.840G>T, p.Glu280Asp (NM_080679.3); c.903G>T, p.Glu301Asp (NM_080681.3); short protein forms E387D, E280D, E301D.
Identifiers: ClinVar variation 596466 (VCV000596466.17), dbSNP rs192219284, ClinGen allele CA3751452.
Genomic context (GRCh38, chr6:33,181,129, plus strand): 5'-TCCTATTTCCACTGCCTCAGCCCTGTGACCAGCATAACTTACAGGTTCCAACACTGCAGG[C>A]TCTCCTTTCTCTCCCTTCAGCCCTCGGGGTCCATGGGCAGCCTGAAGGAGACACACATGT-3'
Protein context (NP_542411.2, residues 377-397): GPRGLKGEKG[Glu387Asp]PAVLEPGMLV

ClinVar aggregate classification (germline): Uncertain significance. Review status: criteria provided, multiple submitters, no conflicts (2 of 4 stars). 7 submissions from 7 submitters: Uncertain significance (7). Last evaluated 2025-11-26.

Conditions:
Inborn genetic diseases. Identifiers: MedGen C0950123, MeSH D030342.

Allele frequency attached by ClinVar (database versions not stated): TOPMed 0.00002; 1000 Genomes Project 0.00020; 1000 Genomes Project 30x 0.00031.
gnomAD v4.1: 6 of 1,614,174 alleles (0.00037%); highest among the groups gnomAD compares: African/African-American, 0.0053%; no homozygotes.

Submissions (7):

Dasa
Classification: Uncertain significance. Last evaluated: 2025-11-26. Review status: criteria provided, single submitter. Criteria: DASA Assertion Criteria. Collection method: clinical testing. Allele origin: germline.
Comment: NM_080680.3(COL11A2):c.1161G>T (p.Glu387Asp) is a missense variant that results in the substitution of glutamic acid with aspartic acid. This variant is rare in population databases. The currently available literature and clinical evidence are not sufficient to establish a definitive association between this variant and the reported condition. Therefore, this variant is classified as a variant of uncertain significance.

Ambry Genetics
Classification: Uncertain significance for Inborn genetic diseases. Last evaluated: 2025-04-03. Review status: criteria provided, single submitter. Criteria: Ambry Variant Classification Scheme 2023. Collection method: clinical testing. Allele origin: germline.

Blueprint Genetics
Classification: Uncertain significance. Last evaluated: 2023-11-20. Review status: criteria provided, single submitter. Criteria: ACMG Guidelines, 2015. Collection method: clinical testing. Allele origin: germline.

Labcorp Genetics (formerly Invitae), Labcorp
Classification: Uncertain significance. Last evaluated: 2022-10-05. Review status: criteria provided, single submitter. Criteria: Invitae Variant Classification Sherloc (09022015). Collection method: clinical testing. Allele origin: germline.
Comment: This sequence change replaces glutamic acid, which is acidic and polar, with aspartic acid, which is acidic and polar, at codon 387 of the COL11A2 protein (p.Glu387Asp). This variant is present in population databases (rs192219284, gnomAD 0.007%). This variant has not been reported in the literature in individuals affected with COL11A2-related conditions. ClinVar contains an entry for this variant (Variation ID: 596466). Advanced modeling of protein sequence and biophysical properties (such as structural, functional, and spatial information, amino acid conservation, physicochemical variation, residue mobility, and thermodynamic stability) performed at Invitae indicates that this missense variant is not expected to disrupt COL11A2 protein function. In summary, the available evidence is currently insufficient to determine the role of this variant in disease. Therefore, it has been classified as a Variant of Uncertain Significance.

GeneDx
Classification: Uncertain significance. Last evaluated: 2019-10-25. Review status: criteria provided, single submitter. Criteria: GeneDx Variant Classification Process June 2021. Collection method: clinical testing. Allele origin: germline. Affected: yes.
Comment: Not observed in large population cohorts (Lek et al., 2016); In silico analysis, which includes protein predictors and evolutionary conservation, supports a deleterious effect; Has not been previously published as pathogenic or benign to our knowledge

Eurofins Ntd Llc (ga)
Classification: Uncertain significance. Last evaluated: 2018-03-06. Review status: criteria provided, single submitter. Criteria: EGL ClinVar v180209 classification definitions. Collection method: clinical testing. Allele origin: germline. Observed: 1 variant allele, 1 heterozygote.

Breakthrough Genomics
Classification: Uncertain significance. Review status: criteria provided, single submitter. Criteria: ACMG Guidelines, 2015. Collection method: not provided. Allele origin: germline. Inheritance: Autosomal recessive inheritance. Affected: yes.